The following is an entry in ClinVar:

NM_207037.2(TCF12):c.1964A>T (p.Glu655Val)

Gene: TCF12 (transcription factor 12; plus strand). Cytogenetic location: 15q21.3.
Variant type: single nucleotide variant.
Coding change: c.1964A>T on transcript NM_207037.2 (MANE Select); coding-DNA position 1964, A replaced by T.
Protein change: p.Glu655Val; replaces glutamic acid 655 with valine.
Molecular consequence: missense variant.
Genome position (GRCh38, 1-based): chr15:57,273,248, A>T. VCF-style: chr15-57273248-A-T. GRCh37 (hg19) VCF-style: chr15-57565446-A-T.
Other names: c.1454A>T, p.Glu485Val (NM_001306219.3); c.1184A>T, p.Glu395Val (NM_001306220.3); c.1964A>T, p.Glu655Val (NM_001322151.2, NM_001322159.3, NM_001322162.2 and 1 more transcripts); c.1961A>T, p.Glu654Val (NM_001322152.2, NM_001322161.2); c.1307A>T, p.Glu436Val (NM_001322154.2); c.1790A>T, p.Glu597Val (NM_001322156.2); c.1892A>T, p.Glu631Val (NM_001322157.3, NM_001322165.2, NM_003205.4 and 1 more transcripts); c.1718A>T, p.Glu573Val (NM_001322158.2); and 2 more; short protein forms E395V, E461V, E436V, E485V, E573V, E631V, E643V, E597V.
Identifiers: ClinVar variation 5009917 (VCV005009917.1).

ClinVar aggregate classification (germline): Uncertain significance (1 of 4 stars; one submission).

Submission:

GeneDx
Classification: Uncertain significance. Last evaluated: 2026-02-20. Review status: criteria provided, single submitter. Criteria: GeneDx Variant Classification Process June 2021. Collection method: clinical testing. Allele origin: germline.
Comment: Not observed at significant frequency in large population cohorts (gnomAD); In silico analysis supports that this missense variant has a deleterious effect on protein structure/function; Has not been previously published as pathogenic or benign to our knowledge; Also known as E631V